The following is an entry in ClinVar:

NM_001352754.2(ARMC9):c.176A>G (p.Gln59Arg)

Gene: ARMC9 (armadillo repeat containing 9; plus strand). Cytogenetic location: 2q37.1.
Variant type: single nucleotide variant.
Coding change: c.176A>G on transcript NM_001352754.2 (MANE Select); coding-DNA position 176, A replaced by G.
Protein change: p.Gln59Arg; replaces glutamine 59 with arginine.
Molecular consequence: missense variant. On other transcripts: non-coding transcript variant (1).
Genome position (GRCh38, 1-based): chr2:231,208,251, A>G. VCF-style: chr2-231208251-A-G. GRCh37 (hg19) VCF-style: chr2-232072964-A-G.
Other names: c.176A>G, p.Gln59Arg (NM_001352755.2, NM_001352756.2, NM_001352759.2 and 5 more transcripts); short protein forms Q59R.
Identifiers: ClinVar variation 1441810 (VCV001441810.3), dbSNP rs1214948838, ClinGen allele CA350944668.

ClinVar aggregate classification (germline): Uncertain significance (1 of 4 stars; one submission).

Allele frequency attached by ClinVar (database versions not stated): gnomAD exomes below 0.00001 and 0.00001.
gnomAD v4.1: 3 of 1,604,798 alleles (0.00019%); highest among the groups gnomAD compares: Admixed American, 0.0034%; no homozygotes.

Submission:

Labcorp Genetics (formerly Invitae), Labcorp
Classification: Uncertain significance. Last evaluated: 2021-10-06. Review status: criteria provided, single submitter. Criteria: Invitae Variant Classification Sherloc (09022015). Collection method: clinical testing. Allele origin: germline.
Comment: This sequence change replaces glutamine with arginine at codon 59 of the ARMC9 protein (p.Gln59Arg). The glutamine residue is moderately conserved and there is a small physicochemical difference between glutamine and arginine. This variant is not present in population databases (ExAC no frequency). This variant has not been reported in the literature in individuals affected with ARMC9-related conditions. Experimental studies and prediction algorithms are not available or were not evaluated, and the functional significance of this variant is currently unknown. In summary, the available evidence is currently insufficient to determine the role of this variant in disease. Therefore, it has been classified as a Variant of Uncertain Significance.